The following is an entry in ClinVar:

NM_001042492.3(NF1):c.4489dup (p.Ser1497fs)

Gene: NF1 (neurofibromin 1; plus strand). Cytogenetic location: 17q11.2.
Variant type: Duplication.
Coding change: c.4489dup on transcript NM_001042492.3 (MANE Select); coding-DNA position 4489, one base duplicated (T; older notation c.4489dupT).
Protein change: p.Ser1497fs; shifts the reading frame from serine 1497.
Molecular consequence: frameshift variant.
Genome position (GRCh38, 1-based): chr17:31,260,427, T duplicated; the last of 3 consecutive T bases (chr17:31,260,425-31,260,427); duplicating any one gives the same sequence. VCF-style (leftmost placement, unchanged base first): chr17-31260424-C-CT. GRCh37 (hg19) VCF-style: chr17-29587442-C-CT.
Other names: c.4426dup, p.Ser1476Phefs (NM_000267.4); short protein forms S1476fs, S1497fs.
Identifiers: ClinVar variation 2169591 (VCV002169591.5), dbSNP rs2067664000, ClinGen allele CA2580093087.

ClinVar aggregate classification (germline): Pathogenic. Review status: criteria provided, multiple submitters, no conflicts (2 of 4 stars). 2 submissions from 2 submitters: Pathogenic (2). Last evaluated 2022-01-23.

Conditions:
Neurofibromatosis, type 1 (NF1). Also called: Neurofibromatosis, type I; VON RECKLINGHAUSEN DISEASE; Peripheral type neurofibromatosis; NEUROFIBROMATOSIS, TYPE I, SOMATIC. Identifiers: Orphanet 636, MedGen C0027831, MONDO:0018975, OMIM 162200. Disease mechanism: loss of function.

Submissions (2):

Labcorp Genetics (formerly Invitae), Labcorp
Classification: Pathogenic for Neurofibromatosis, type 1. Last evaluated: 2022-01-23. Review status: criteria provided, single submitter. Criteria: Invitae Variant Classification Sherloc (09022015). Collection method: clinical testing. Allele origin: germline.
Comment: This variant is not present in population databases (gnomAD no frequency). For these reasons, this variant has been classified as Pathogenic. This premature translational stop signal has been observed in individual(s) with neurofibromatosis, type 1 (PMID: 29673180). This sequence change creates a premature translational stop signal (p.Ser1476Phefs*5) in the NF1 gene. It is expected to result in an absent or disrupted protein product. Loss-of-function variants in NF1 are known to be pathogenic (PMID: 10712197, 23913538).

3billion
Classification: Pathogenic for Neurofibromatosis, type 1. Review status: criteria provided, single submitter. Criteria: ACMG Guidelines, 2015. Collection method: clinical testing. Allele origin: unknown. Affected: yes. Observed: 1 heterozygote.
Comment: The variant is not observed in the gnomAD v2.1.1 dataset. The variant is predicted to result in a loss or disruption of normal protein function through nonsense-mediated decay (NMD) or protein truncation. Multiple pathogenic variants are reported downstream of the variant. The variant has been reported to be associated with NF1 related disorder (PMID: 29673180). Therefore, this variant is classified as Pathogenic according to the recommendation of ACMG/AMP guideline.

Literature cited by the submitters: PubMed 29673180 (cited by Labcorp Genetics (formerly Invitae), Labcorp and 3billion); PubMed 10712197 (cited by Labcorp Genetics (formerly Invitae), Labcorp); PubMed 23913538 (cited by Labcorp Genetics (formerly Invitae), Labcorp).